The following is an entry in ClinVar:

ClinVar aggregate classification (germline): Uncertain significance (1 of 4 stars; one submission).

Conditions:
Hereditary cancer-predisposing syndrome. Also called: Neoplastic Syndromes, Hereditary; Tumor predisposition; Hereditary neoplastic syndrome; Hereditary Cancer Syndrome. Identifiers: Orphanet 140162, MedGen C0027672, MeSH D009386, MONDO:0015356.

Submission:

Ambry Genetics
Classification: Uncertain significance for Hereditary cancer-predisposing syndrome. Last evaluated: 2026-07-07. Review status: criteria provided, single submitter. Criteria: Ambry Variant Classification Scheme 2023. Collection method: clinical testing. Allele origin: germline.
Comment: The p.I508L variant (also known as c.1522A>C), located in coding exon 11 of the PMS2 gene, results from an A to C substitution at nucleotide position 1522. The isoleucine at codon 508 is replaced by leucine, an amino acid with highly similar properties. This amino acid position is conserved. In addition, this alteration is predicted to be tolerated by in silico analysis. Based on the available evidence, the clinical significance of this variant remains unclear.

NM_000535.7(PMS2):c.1522A>C (p.Ile508Leu)

Gene: PMS2 (PMS1 homolog 2, mismatch repair system component; minus strand). Cytogenetic location: 7p22.1.
Variant type: single nucleotide variant.
Coding change: c.1522A>C on transcript NM_000535.7 (MANE Select); coding-DNA position 1522, A replaced by C.
Protein change: p.Ile508Leu; replaces isoleucine 508 with leucine.
Molecular consequence: missense variant. On other transcripts: non-coding transcript variant (1), intron variant (1).
Genome position (GRCh38, 1-based): chr7:5,987,243, T>G on the plus strand (A>C on the coding strand, the complement: PMS2 is on the minus strand). VCF-style: chr7-5987243-T-G. GRCh37 (hg19) VCF-style: chr7-6026874-T-G.
Other names: c.1213A>C, p.Ile405Leu (NM_001406875.1, NM_001406877.1, NM_001406878.1 and 5 more transcripts); c.1204A>C, p.Ile402Leu (NM_001406876.1, NM_001406883.1, NM_001406903.1 and 2 more transcripts); c.1198A>C, p.Ile400Leu (NM_001406884.1); c.1117A>C, p.Ile373Leu (NM_001406894.1, NM_001406895.1, NM_001406896.1 and 16 more transcripts); c.1057A>C, p.Ile353Leu (NM_001406900.1); c.1048A>C, p.Ile350Leu (NM_001406901.1, NM_001406902.1); c.1366A>C, p.Ile456Leu (NM_001322006.2, NM_001406870.1); c.961A>C, p.Ile321Leu (NM_001322010.2, NM_001406906.1, NM_001406907.1); and 13 more; short protein forms I350L, I400L, I472L, I251L, I337L, I353L, I373L, I386L.
Identifiers: ClinVar variation 5026922 (VCV005026922.1).